The following is an entry in ClinVar:

ClinVar aggregate classification (germline): Uncertain significance (1 of 4 stars; one submission).

Allele frequency attached by ClinVar (database versions not stated): gnomAD exomes below 0.00001.
gnomAD v4.1: 1 of 1,613,954 alleles (0.000062%); highest among the groups gnomAD compares: Non-Finnish European, 0.000085%; no homozygotes.

Submission:

Labcorp Genetics (formerly Invitae), Labcorp
Classification: Uncertain significance. Last evaluated: 2022-02-10. Review status: criteria provided, single submitter. Criteria: Invitae Variant Classification Sherloc (09022015). Collection method: clinical testing. Allele origin: germline.
Comment: This sequence change replaces alanine, which is neutral and non-polar, with serine, which is neutral and polar, at codon 159 of the FAT4 protein (p.Ala159Ser). This variant is not present in population databases (gnomAD no frequency). This variant has not been reported in the literature in individuals affected with FAT4-related conditions. Algorithms developed to predict the effect of missense changes on protein structure and function (SIFT, PolyPhen-2, Align-GVGD) all suggest that this variant is likely to be disruptive. In summary, the available evidence is currently insufficient to determine the role of this variant in disease. Therefore, it has been classified as a Variant of Uncertain Significance.

NM_001291303.3(FAT4):c.475G>T (p.Ala159Ser)

Gene: FAT4 (FAT atypical cadherin 4; plus strand). Cytogenetic location: 4q28.1.
Variant type: single nucleotide variant.
Coding change: c.475G>T on transcript NM_001291303.3 (MANE Select); coding-DNA position 475, G replaced by T.
Protein change: p.Ala159Ser; replaces alanine 159 with serine.
Molecular consequence: missense variant.
Genome position (GRCh38, 1-based): chr4:125,316,886, G>T. VCF-style: chr4-125316886-G-T. GRCh37 (hg19) VCF-style: chr4-126238041-G-T.
Other names: c.475G>T, p.Ala159Ser (NM_001291285.3, NM_024582.6); short protein forms A159S.
Identifiers: ClinVar variation 1413652 (VCV001413652.8), dbSNP rs2125938762, ClinGen allele CA358115882.